The following is an entry in ClinVar:

NM_004614.5(TK2):c.1A>G (p.Met1Val)

Gene: TK2 (thymidine kinase 2; minus strand). Cytogenetic location: 16q21.
Variant type: single nucleotide variant.
Coding change: c.1A>G on transcript NM_004614.5 (MANE Select); coding-DNA position 1, A replaced by G.
Protein change: p.Met1Val; changes the start codon (methionine 1).
Molecular consequence: missense variant, initiator codon variant. On other transcripts: 5 prime UTR variant (2), non-coding transcript variant (1), intron variant (2).
Genome position (GRCh38, 1-based): chr16:66,550,061, T>C on the plus strand (A>G on the coding strand, the complement: TK2 is on the minus strand). VCF-style: chr16-66550061-T-C. GRCh37 (hg19) VCF-style: chr16-66583964-T-C.
Other names: c.1A>G, p.Met1Val (NM_001172644.2, NM_001172645.2); c.-242A>G (NM_001271934.2); c.-652A>G (NM_001272050.2); c.31+192A>G (NM_001271935.1, NM_001172643.1); short protein forms M1V.
Identifiers: ClinVar variation 3778852 (VCV003778852.2).

ClinVar aggregate classification (germline): Pathogenic (1 of 4 stars; one submission).

Conditions:
Mitochondrial disease. Also called: Mitochondrial disorders; Mitochondrial disorder. Identifiers: Orphanet 68380, MedGen C0751651, MeSH D028361, MONDO:0044970.

Submission:

Genomenon, Inc
Classification: Pathogenic for Mitochondrial disease. Last evaluated: 2025-11-24. Review status: criteria provided, single submitter. Criteria: Genomenon Sequence Variant Interpretation Standards - Updated. Collection method: curation. Allele origin: germline. Affected: yes.
Comment: TK2 p.Met1? (c.1A>G) causes disruption of the initiation Methionine codon that likely results in the production of an altered or absent protein. This variant has been observed in a proband affected with mitochondrial disease in the homozygous state (25058219). This variant is not present at a significant frequency in gnomAD. In conclusion, we classify TK2 p.Met1? (c.1A>G) as a pathogenic variant.

Literature cited by the submitters: PubMed 25058219.